The following is an entry in ClinVar:

NM_018941.4(CLN8):c.694A>C (p.Thr232Pro)

Gene: CLN8 (CLN8 transmembrane ER and ERGIC protein; plus strand). Cytogenetic location: 8p23.3.
Variant type: single nucleotide variant.
Coding change: c.694A>C on transcript NM_018941.4 (MANE Select); coding-DNA position 694, A replaced by C.
Protein change: p.Thr232Pro; replaces threonine 232 with proline.
Molecular consequence: missense variant.
Genome position (GRCh38, 1-based): chr8:1,780,400, A>C. VCF-style: chr8-1780400-A-C. GRCh37 (hg19) VCF-style: chr8-1728566-A-C.
Other names: short protein forms T232P.
Identifiers: ClinVar variation 2149021 (VCV002149021.4), dbSNP rs1015504418, ClinGen allele CA170448669.

ClinVar aggregate classification (germline): Uncertain significance (1 of 4 stars; one submission).

Conditions:
Neuronal ceroid lipofuscinosis. Also called: Neuronal Ceroid Lipofuscinoses. Identifiers: Orphanet 216, Orphanet 79263, MedGen C0027877, MONDO:0016295. Disease mechanism: loss of function.

Allele frequency attached by ClinVar (database versions not stated): gnomAD 0.00001; gnomAD exomes 0.00001; TOPMed 0.00001.
gnomAD v4.1: 20 of 1,614,058 alleles (0.0012%); highest among the groups gnomAD compares: Non-Finnish European, 0.0016%; no homozygotes.

Submission:

Labcorp Genetics (formerly Invitae), Labcorp
Classification: Uncertain significance for Neuronal ceroid lipofuscinosis. Last evaluated: 2023-02-13. Review status: criteria provided, single submitter. Criteria: Invitae Variant Classification Sherloc (09022015). Collection method: clinical testing. Allele origin: germline.
Comment: In summary, the available evidence is currently insufficient to determine the role of this variant in disease. Therefore, it has been classified as a Variant of Uncertain Significance. Advanced modeling of protein sequence and biophysical properties (such as structural, functional, and spatial information, amino acid conservation, physicochemical variation, residue mobility, and thermodynamic stability) performed at Invitae indicates that this missense variant is not expected to disrupt CLN8 protein function. This variant has not been reported in the literature in individuals affected with CLN8-related conditions. This variant is not present in population databases (gnomAD no frequency). This sequence change replaces threonine, which is neutral and polar, with proline, which is neutral and non-polar, at codon 232 of the CLN8 protein (p.Thr232Pro).